The following is an entry in ClinVar:

ClinVar aggregate classification (germline): Uncertain significance (1 of 4 stars; one submission).

Conditions:
Nemaline myopathy 2 (NEM2). Also called: Nemaline myopathy 2, autosomal recessive. Identifiers: MedGen C1850569, MONDO:0009725, OMIM 256030.

Submission:

Labcorp Genetics (formerly Invitae), Labcorp
Classification: Uncertain significance for Nemaline myopathy 2. Last evaluated: 2022-08-23. Review status: criteria provided, single submitter. Criteria: Invitae Variant Classification Sherloc (09022015). Collection method: clinical testing. Allele origin: germline.
Comment: In summary, the available evidence is currently insufficient to determine the role of this variant in disease. Therefore, it has been classified as a Variant of Uncertain Significance. Algorithms developed to predict the effect of missense changes on protein structure and function are either unavailable or do not agree on the potential impact of this missense change (SIFT: "Deleterious"; PolyPhen-2: "Not Available"; Align-GVGD: "Class C0"). ClinVar contains an entry for this variant (Variation ID: 1035505). This variant has not been reported in the literature in individuals affected with NEB-related conditions. This variant is not present in population databases (gnomAD no frequency). This sequence change replaces tryptophan, which is neutral and slightly polar, with glycine, which is neutral and non-polar, at codon 3147 of the NEB protein (p.Trp3147Gly).

NM_001164508.2(NEB):c.9439T>G (p.Trp3147Gly)

Gene: NEB (nebulin; minus strand). Cytogenetic location: 2q23.3.
Variant type: single nucleotide variant.
Coding change: c.9439T>G on transcript NM_001164508.2 (MANE Select); coding-DNA position 9439, T replaced by G.
Protein change: p.Trp3147Gly; replaces tryptophan 3147 with glycine.
Molecular consequence: missense variant. On other transcripts: intron variant (1).
Genome position (GRCh38, 1-based): chr2:151,631,322, A>C on the plus strand (T>G on the coding strand, the complement: NEB is on the minus strand). VCF-style: chr2-151631322-A-C. GRCh37 (hg19) VCF-style: chr2-152487836-A-C.
Other names: c.9439T>G, p.Trp3147Gly (NM_001164507.2, NM_001271208.2); c.8854-144T>G (NM_004543.5); short protein forms W3147G.
Identifiers: ClinVar variation 1035505 (VCV001035505.8), dbSNP rs2098662413, ClinGen allele CA348801377.